The following is an entry in ClinVar:

NM_024757.5(EHMT1):c.2948C>A (p.Ser983Tyr)

Gene: EHMT1 (euchromatic histone lysine methyltransferase 1; plus strand). Cytogenetic location: 9q34.3.
Variant type: single nucleotide variant.
Coding change: c.2948C>A on transcript NM_024757.5 (MANE Select); coding-DNA position 2948, C replaced by A.
Protein change: p.Ser983Tyr; replaces serine 983 with tyrosine.
Molecular consequence: missense variant.
Genome position (GRCh38, 1-based): chr9:137,813,086, C>A. VCF-style: chr9-137813086-C-A. GRCh37 (hg19) VCF-style: chr9-140707538-C-A.
Other names: c.2927C>A, p.Ser976Tyr (NM_001354263.2); short protein forms S983Y, S976Y.
Identifiers: ClinVar variation 566456 (VCV000566456.9), dbSNP rs763031759, ClinGen allele CA375793466.

ClinVar aggregate classification (germline): Uncertain significance (1 of 4 stars; one submission).

Conditions:
Kleefstra syndrome 1 (KLEFS1). Identifiers: Orphanet 261494, MedGen C0795833, MONDO:0027407, OMIM 610253.

Submission:

Labcorp Genetics (formerly Invitae), Labcorp
Classification: Uncertain significance for Kleefstra syndrome 1. Last evaluated: 2018-04-16. Review status: criteria provided, single submitter. Criteria: Invitae Variant Classification Sherloc (09022015). Collection method: clinical testing. Allele origin: germline.
Comment: This sequence change replaces serine with tyrosine at codon 983 of the EHMT1 protein (p.Ser983Tyr). The serine residue is highly conserved and there is a large physicochemical difference between serine and tyrosine. This variant is not present in population databases (ExAC no frequency). This variant has not been reported in the literature in individuals with EHMT1-related disease. Algorithms developed to predict the effect of missense changes on protein structure and function (SIFT, PolyPhen-2, Align-GVGD) all suggest that this variant is likely to be disruptive, but these predictions have not been confirmed by published functional studies and their clinical significance is uncertain. In summary, the available evidence is currently insufficient to determine the role of this variant in disease. Therefore, it has been classified as a Variant of Uncertain Significance.